The following is an entry in ClinVar:

NM_005035.4(POLRMT):c.2041C>T (p.Gln681Ter)

Gene: POLRMT (RNA polymerase mitochondrial; minus strand). Cytogenetic location: 19p13.3.
Variant type: single nucleotide variant.
Coding change: c.2041C>T on transcript NM_005035.4 (MANE Select); coding-DNA position 2041, C replaced by T.
Protein change: p.Gln681Ter; replaces glutamine 681 with a stop codon.
Molecular consequence: nonsense. On other transcripts: non-coding transcript variant (1).
Genome position (GRCh38, 1-based): chr19:621,657, G>A on the plus strand (C>T on the coding strand, the complement: POLRMT is on the minus strand). VCF-style: chr19-621657-G-A. GRCh37 (hg19) VCF-style: chr19-621657-G-A.
Other names: c.2041C>T, p.Gln681Ter (NM_001407805.1, NM_001407808.1, NM_001407812.1 and 4 more transcripts); c.2032C>T, p.Gln678Ter (NM_001407806.1, NM_001407809.1); c.2029C>T, p.Gln677Ter (NM_001407807.1, NM_001407810.1); c.1999C>T, p.Gln667Ter (NM_001407811.1, NM_001407813.1); c.1816C>T, p.Gln606Ter (NM_001407830.1, NM_001407832.1); c.1717C>T, p.Gln573Ter (NM_001407831.1, NM_001407833.1, NM_001407835.1 and 1 more transcripts); c.1708C>T, p.Gln570Ter (NM_001407834.1); short protein forms Q570*, Q573*, Q606*, Q667*, Q677*, Q678*, Q681*.
Identifiers: ClinVar variation 3237469 (VCV003237469.3), dbSNP rs776192083.

ClinVar aggregate classification (germline): Pathogenic/Likely pathogenic. Review status: criteria provided, multiple submitters, no conflicts (2 of 4 stars). 3 submissions from 3 submitters: Pathogenic (1); Likely pathogenic (2). Last evaluated 2025-07-16.

Conditions:
Combined oxidative phosphorylation deficiency 55 (COXPD55). Identifiers: MedGen C5676915, MONDO:0859228, OMIM 619743.

Allele frequency attached by ClinVar (database versions not stated): ExAC 0.00036; gnomAD exomes 0.00003; TOPMed 0.00019; gnomAD 0.00007.
gnomAD v4.1: 56 of 1,540,882 alleles (0.0036%); highest among the groups gnomAD compares: Admixed American, 0.096%; no homozygotes.

Submissions (3):

First Genomix Gene Laboratory, Genetic Diagnostics Department
Classification: Likely pathogenic for Combined oxidative phosphorylation deficiency 55. Last evaluated: 2025-07-16. Review status: criteria provided, single submitter. Criteria: ACMG Guidelines, 2015. Collection method: clinical testing. Allele origin: germline. Inheritance: Autosomal recessive inheritance. Affected: no. Observed: 1 variant allele.

3billion
Classification: Pathogenic for Combined oxidative phosphorylation deficiency 55. Last evaluated: 2025-05-27. Review status: criteria provided, single submitter. Criteria: ACMG Guidelines, 2015. Collection method: clinical testing. Allele origin: germline. Affected: yes.
Comment: The variant is observed at an extremely low frequency in the gnomAD v4.1.0 dataset (total allele frequency: 0.004%). Predicted Consequence/Location: Stop-gained (nonsense): predicted to result in a loss or disruption of normal protein function through nonsense-mediated decay (NMD) or protein truncation. Multiple pathogenic variants are reported downstream of the variant. The variant has been reported to be associated with POLRMT-related disorder (ClinVar ID: VCV003237469). Therefore, this variant is classified as Pathogenic according to the recommendation of ACMG/AMP guideline.

Baylor Genetics
Classification: Likely pathogenic for Combined oxidative phosphorylation deficiency 55. Last evaluated: 2023-12-29. Review status: criteria provided, single submitter. Criteria: ACMG Guidelines, 2015. Collection method: clinical testing. Allele origin: unknown.